The following is an entry in ClinVar:

NM_032043.3(BRIP1):c.2665C>A (p.Gln889Lys)

Gene: BRIP1 (BRCA1 interacting DNA helicase 1; minus strand). Cytogenetic location: 17q23.2.
Variant type: single nucleotide variant.
Coding change: c.2665C>A on transcript NM_032043.3 (MANE Select); coding-DNA position 2665, C replaced by A.
Protein change: p.Gln889Lys; replaces glutamine 889 with lysine.
Molecular consequence: missense variant.
Genome position (GRCh38, 1-based): chr17:61,686,076, G>T on the plus strand (C>A on the coding strand, the complement: BRIP1 is on the minus strand). VCF-style: chr17-61686076-G-T. GRCh37 (hg19) VCF-style: chr17-59763437-G-T.
Other names: short protein forms Q889K.
Identifiers: ClinVar variation 4216281 (VCV004216281.1).

ClinVar aggregate classification (germline): Uncertain significance (1 of 4 stars; one submission).

Conditions:
Hereditary cancer-predisposing syndrome. Also called: Hereditary Cancer Syndrome; Hereditary neoplastic syndrome; Neoplastic Syndromes, Hereditary; Tumor predisposition. Identifiers: Orphanet 140162, MedGen C0027672, MeSH D009386, MONDO:0015356.

Submission:

Ambry Genetics
Classification: Uncertain significance for Hereditary cancer-predisposing syndrome. Last evaluated: 2025-08-23. Review status: criteria provided, single submitter. Criteria: Ambry Variant Classification Scheme 2023. Collection method: clinical testing. Allele origin: germline.
Comment: The p.Q889K variant (also known as c.2665C>A), located in coding exon 18 of the BRIP1 gene, results from a C to A substitution at nucleotide position 2665. The glutamine at codon 889 is replaced by lysine, an amino acid with similar properties. This amino acid position is conserved. In addition, this alteration is predicted to be tolerated by in silico analysis. Based on the available evidence, the clinical significance of this variant remains unclear.